The following is an entry in ClinVar:

ClinVar aggregate classification (germline): Uncertain significance (1 of 4 stars; one submission).

Conditions:
Nance-Horan syndrome (NHS). Identifiers: Orphanet 627, MedGen C0796085, MONDO:0010545, OMIM 302350.

gnomAD v4.1: 2 of 1,210,272 alleles (0.00017%); highest among the groups gnomAD compares: Admixed American, 0.0022%; no homozygotes.

Submission:

Labcorp Genetics (formerly Invitae), Labcorp
Classification: Uncertain significance for Nance-Horan syndrome. Last evaluated: 2025-05-07. Review status: criteria provided, single submitter. Criteria: Invitae Variant Classification Sherloc (09022015). Collection method: clinical testing. Allele origin: germline.
Comment: This sequence change replaces arginine, which is basic and polar, with cysteine, which is neutral and slightly polar, at codon 275 of the NHS protein (p.Arg275Cys). This variant is present in population databases (no rsID available, gnomAD no frequency). This variant has not been reported in the literature in individuals affected with NHS-related conditions. Invitae Evidence Modeling of protein sequence and biophysical properties (such as structural, functional, and spatial information, amino acid conservation, physicochemical variation, residue mobility, and thermodynamic stability) indicates that this missense variant is expected to disrupt NHS protein function with a positive predictive value of 80%. In summary, the available evidence is currently insufficient to determine the role of this variant in disease. Therefore, it has been classified as a Variant of Uncertain Significance.

NM_001291867.2(NHS):c.823C>T (p.Arg275Cys)

Gene: NHS (NHS actin remodeling regulator; plus strand). Cytogenetic location: Xp22.13.
Variant type: single nucleotide variant.
Coding change: c.823C>T on transcript NM_001291867.2 (MANE Select); coding-DNA position 823, C replaced by T.
Protein change: p.Arg275Cys; replaces arginine 275 with cysteine.
Molecular consequence: missense variant.
Genome position (GRCh38, 1-based): chrX:17,692,439, C>T. VCF-style: chrX-17692439-C-T. GRCh37 (hg19) VCF-style: chrX-17710559-C-T.
Other names: c.292C>T, p.Arg98Cys (NM_001136024.4, NM_001291868.2); c.823C>T, p.Arg275Cys (NM_198270.4); c.484C>T, p.Arg162Cys (NM_001440780.1); short protein forms R162C, R275C, R98C.
Identifiers: ClinVar variation 4798869 (VCV004798869.1).
Genomic context (GRCh38, chrX:17,692,439, plus strand): 5'-CCCCTTTCCATTGCAGCTCCTCCACTGCCAGCCTACCCTCCAGCTCACAGCCAGAGGAGG[C>T]GTGAGTTTAAGGACCGTCACTTTTTAACGGTAAGTTTGGTGGCCACCTGCAGCCCTATGC-3'
Protein context (NP_001278796.1, residues 265-285): AYPPAHSQRR[Arg275Cys]EFKDRHFLTF